The following is an entry in ClinVar:

ClinVar aggregate classification (germline): Uncertain significance (1 of 4 stars; one submission).

Allele frequency attached by ClinVar (database versions not stated): gnomAD 0.00001; gnomAD exomes 0.00001; TOPMed 0.00002; 1000 Genomes Project 30x 0.00016; 1000 Genomes Project 0.00020.
gnomAD v4.1: 7 of 1,536,942 alleles (0.00046%); highest among the groups gnomAD compares: Admixed American, 0.014%; no homozygotes.

Submission:

Labcorp Genetics (formerly Invitae), Labcorp
Classification: Uncertain significance. Last evaluated: 2025-01-06. Review status: criteria provided, single submitter. Criteria: Invitae Variant Classification Sherloc (09022015). Collection method: clinical testing. Allele origin: germline.
Comment: This sequence change replaces histidine, which is basic and polar, with leucine, which is neutral and non-polar, at codon 50 of the ZBTB20 protein (p.His50Leu). This variant is present in population databases (rs578173779, gnomAD 0.02%). This variant has not been reported in the literature in individuals affected with ZBTB20-related conditions. ClinVar contains an entry for this variant (Variation ID: 2187593). Invitae Evidence Modeling of protein sequence and biophysical properties (such as structural, functional, and spatial information, amino acid conservation, physicochemical variation, residue mobility, and thermodynamic stability) indicates that this missense variant is not expected to disrupt ZBTB20 protein function with a negative predictive value of 95%. In summary, the available evidence is currently insufficient to determine the role of this variant in disease. Therefore, it has been classified as a Variant of Uncertain Significance.

NM_001348800.3(ZBTB20):c.149A>T (p.His50Leu)

Genes: ZBTB20 (zinc finger and BTB domain containing 20; minus strand), ZBTB20-AS1 (ZBTB20 antisense RNA 1; plus strand). Cytogenetic location: 3q13.31.
Variant type: single nucleotide variant.
Coding change: c.149A>T on transcript NM_001348800.3 (MANE Select); coding-DNA position 149, A replaced by T.
Protein change: p.His50Leu; replaces histidine 50 with leucine.
Molecular consequence: missense variant. On other transcripts: 5 prime UTR variant (12), non-coding transcript variant (1).
Genome position (GRCh38, 1-based): chr3:114,380,267, T>A on the plus strand (A>T on the coding strand, the complement: ZBTB20 is on the minus strand). VCF-style: chr3-114380267-T-A. GRCh37 (hg19) VCF-style: chr3-114099114-T-A.
Other names: c.149A>T, p.His50Leu (NM_001164342.2, NM_001348803.3, NM_001393393.1 and 1 more transcripts); c.-71A>T (NM_001164343.2, NM_001164344.4, NM_001164345.4 and 9 more transcripts); short protein forms H50L.
Identifiers: ClinVar variation 2187593 (VCV002187593.4), dbSNP rs578173779, ClinGen allele CA81681055.